The following is an entry in ClinVar:

NM_005070.4(SLC4A3):c.2223C>T (p.Ser741=)

Gene: SLC4A3 (solute carrier family 4 member 3; plus strand). Cytogenetic location: 2q35.
Variant type: single nucleotide variant.
Coding change: c.2223C>T on transcript NM_005070.4 (MANE Select); coding-DNA position 2223, C replaced by T.
Protein change: p.Ser741=; no amino-acid change (serine 741 retained).
Molecular consequence: synonymous variant. On other transcripts: non-coding transcript variant (1).
Genome position (GRCh38, 1-based): chr2:219,636,333, C>T. VCF-style: chr2-219636333-C-T. GRCh37 (hg19) VCF-style: chr2-220501055-C-T.
Other names: p.Ser768=; c.2304C>T, p.Ser768= (NM_001326559.2, NM_201574.3); c.2223C>T (NM_005070.3).
Identifiers: ClinVar variation 775827 (VCV000775827.7), dbSNP rs111434009, ClinGen allele CA2134145.

ClinVar aggregate classification (germline): Benign. Review status: criteria provided, multiple submitters, no conflicts (2 of 4 stars). 4 submissions from 4 submitters: Benign (4). Last evaluated 2026-03-27.

Allele frequency attached by ClinVar (database versions not stated): TOPMed 0.00702; 1000 Genomes Project 30x 0.00828; gnomAD exomes 0.00062 and 0.00168; gnomAD 0.00654 and 0.00593; ESP Exome Variant Server 0.00738; 1000 Genomes Project 0.00799; ExAC 0.00203.
gnomAD v4.1: 1,858 of 1,613,776 alleles (0.12%); highest among the groups gnomAD compares: African/African-American, 2.1%; 21 homozygotes.

Submissions (4):

Molecular Diagnostic Laboratory for Inherited Cardiovascular Disease, Montreal Heart Institute
Classification: Benign. Last evaluated: 2026-03-27. Review status: criteria provided, single submitter. Criteria: ACMG Guidelines, 2015. Collection method: clinical testing. Allele origin: germline. Affected: no.

Mayo Clinic Laboratories, Mayo Clinic
Classification: Benign. Last evaluated: 2023-08-29. Review status: criteria provided, single submitter. Criteria: ACMG Guidelines, 2015. Collection method: clinical testing. Allele origin: germline. Observed: 2 variant alleles.
Comment: BS1, BS2, BP4, BP7

Labcorp Genetics (formerly Invitae), Labcorp
Classification: Benign. Last evaluated: 2019-12-31. Review status: criteria provided, single submitter. Criteria: Invitae Variant Classification Sherloc (09022015). Collection method: clinical testing. Allele origin: germline.

Breakthrough Genomics
Classification: Benign. Review status: criteria provided, single submitter. Criteria: ACMG Guidelines, 2015. Collection method: not provided. Allele origin: germline. Inheritance: Autosomal dominant inheritance. Affected: yes.